The following is an entry in ClinVar:

ClinVar aggregate classification (germline): Uncertain significance. Review status: criteria provided, multiple submitters, no conflicts (2 of 4 stars). 2 submissions from 2 submitters: Uncertain significance (2). Last evaluated 2025-07-14.

Conditions:
Inborn genetic diseases. Identifiers: MedGen C0950123, MeSH D030342.

Allele frequency attached by ClinVar (database versions not stated): gnomAD 0.00001 and 0.00003; gnomAD exomes 0.00001 and 0.00003; TOPMed 0.00004; ExAC 0.00005; ESP Exome Variant Server 0.00008; 1000 Genomes Project 0.00020; 1000 Genomes Project 30x 0.00031.
gnomAD v4.1: 23 of 1,613,964 alleles (0.0014%); highest among the groups gnomAD compares: South Asian, 0.0088%; no homozygotes.

Submissions (2):

Labcorp Genetics (formerly Invitae), Labcorp
Classification: Uncertain significance. Last evaluated: 2025-07-14. Review status: criteria provided, single submitter. Criteria: Invitae Variant Classification Sherloc (09022015). Collection method: clinical testing. Allele origin: germline.
Comment: This sequence change replaces arginine, which is basic and polar, with tryptophan, which is neutral and slightly polar, at codon 220 of the ADSSL1 protein (p.Arg220Trp). This variant is present in population databases (rs371663949, gnomAD 0.01%). This variant has not been reported in the literature in individuals affected with ADSSL1-related conditions. ClinVar contains an entry for this variant (Variation ID: 1681937). An algorithm developed to predict the effect of missense changes on protein structure and function (PolyPhen-2) suggests that this variant is likely to be disruptive. In summary, the available evidence is currently insufficient to determine the role of this variant in disease. Therefore, it has been classified as a Variant of Uncertain Significance.

Ambry Genetics
Classification: Uncertain significance for Inborn genetic diseases. Last evaluated: 2024-05-07. Review status: criteria provided, single submitter. Criteria: Ambry Variant Classification Scheme 2023. Collection method: clinical testing. Allele origin: germline.

NM_152328.5(ADSS1):c.529C>T (p.Arg177Trp)

Gene: ADSS1 (adenylosuccinate synthase 1; plus strand). Cytogenetic location: 14q32.33.
Variant type: single nucleotide variant.
Coding change: c.529C>T on transcript NM_152328.5 (MANE Select); coding-DNA position 529, C replaced by T.
Protein change: p.Arg177Trp; replaces arginine 177 with tryptophan.
Molecular consequence: missense variant. On other transcripts: 5 prime UTR variant (1).
Genome position (GRCh38, 1-based): chr14:104,740,653, C>T. VCF-style: chr14-104740653-C-T. GRCh37 (hg19) VCF-style: chr14-105206990-C-T.
Other names: c.-87C>T (NM_001320424.1); c.658C>T, p.Arg220Trp (NM_199165.2); c.658C>T (NM_199165.1); short protein forms R177W, R220W.
Identifiers: ClinVar variation 1681937 (VCV001681937.7), dbSNP rs371663949, ClinGen allele CA7373730.
Genomic context (GRCh38, chr14:104,740,653, plus strand): 5'-TCTTTCAGTATAGGCACCACCAAGAAGGGAATCGGACCAACCTACTCTTCCAAAGCTGCC[C>T]GGACAGGCCTCCGCATCTGCGACCTCCTGTCAGATTTTGATGAGTTTTCCTCCAGGTACC-3'
Protein context (NP_689541.1, residues 167-187): IGPTYSSKAA[Arg177Trp]TGLRICDLLS